The following is an entry in ClinVar:

NM_194248.3(OTOF):c.4799+1G>A

Gene: OTOF (otoferlin; minus strand). Cytogenetic location: 2p23.3.
Variant type: single nucleotide variant.
Coding change: c.4799+1G>A on transcript NM_194248.3 (MANE Select); the canonical splice donor site of the intron after coding-DNA position 4799, G replaced by A.
Molecular consequence: splice donor variant.
Genome position (GRCh38, 1-based): chr2:26,465,671, C>T on the plus strand (G>A on the coding strand, the complement: OTOF is on the minus strand). VCF-style: chr2-26465671-C-T. GRCh37 (hg19) VCF-style: chr2-26688539-C-T.
Other names: c.4799+1G>A (NM_001287489.2); c.2498+1G>A (NM_194323.3, NM_004802.4); c.2729+1G>A (NM_194322.3).
Identifiers: ClinVar variation 164841 (VCV000164841.10), dbSNP rs200147906, ClinGen allele CA273212.
Genomic context (GRCh38, chr2:26,465,671, plus strand): 5'-ATTTTAGAGTGGAGGCAAAGCAGGCACACTGCCCCCGCCCTCTGCCCCATGCCCCACATA[C>T]GTGGAGTAGGTCTGGGCGATGCCGCAGGTGGCGCGGTGCTTGCTGTAGAAGCGGTTCTCC-3'

ClinVar aggregate classification (germline): Pathogenic. Review status: criteria provided, multiple submitters, no conflicts (2 of 4 stars). 5 submissions from 5 submitters: Pathogenic (3). 2 of the submissions do not count toward it. Last evaluated 2025-01-18.

Conditions:
Rare genetic deafness. Identifiers: Orphanet 96210, MedGen C5680250.
Hearing loss, autosomal recessive. Also called: Deafness, autosomal recessive; Autosomal recessive nonsyndromic deafness; Rare autosomal recessive non-syndromic sensorineural deafness type DFNB; Nonsyndromic Hearing Loss, Recessive. Identifiers: Orphanet 90635, Orphanet 90636, MedGen C1846647, MONDO:0019588, OMIM 607197.
Autosomal recessive nonsyndromic hearing loss 9. Also called: OTOF-Related Hearing Loss; NEUROSENSORY NONSYNDROMIC RECESSIVE DEAFNESS 9; AUDITORY NEUROPATHY, AUTOSOMAL RECESSIVE, 1, TEMPERATURE-SENSITIVE; Deafness, autosomal recessive 9. Identifiers: Orphanet 90636, MedGen C1832828, MONDO:0010986, OMIM 601071.

Allele frequency attached by ClinVar (database versions not stated): TOPMed 0.00001; gnomAD 0.00003; 1000 Genomes Project 0.00020; 1000 Genomes Project 30x 0.00031.
gnomAD v4.1: 14 of 1,614,138 alleles (0.00087%); highest among the groups gnomAD compares: Admixed American, 0.005%; no homozygotes.

Submissions (5):

GeneDx
Classification: Pathogenic. Last evaluated: 2025-01-18. Review status: criteria provided, single submitter. Criteria: GeneDx Variant Classification Process June 2021. Collection method: clinical testing. Allele origin: germline. Affected: yes.
Comment: Canonical splice site variant predicted to result in an in-frame loss of the adjacent exon in a gene for which loss of function is a known mechanism of disease; Not observed at significant frequency in large population cohorts (gnomAD); This variant is associated with the following publications: (PMID: 32476384, 34424407, 36555390, 37217689, 30303587)

The Shared Resource Centre "Genome", Research Centre for Medical Genetics
Classification: Pathogenic for Autosomal recessive nonsyndromic hearing loss 9. Last evaluated: 2022-11-10. Review status: criteria provided, single submitter. Criteria: ACMG Guidelines, 2015. Collection method: clinical testing. Allele origin: germline. Affected: yes. Observed: 1 variant allele.

Laboratory for Molecular Medicine, Mass General Brigham Personalized Medicine
Classification: Pathogenic for Rare genetic deafness. Last evaluated: 2014-01-30. Review status: criteria provided, single submitter. Criteria: LMM Criteria. Collection method: clinical testing. Allele origin: germline. Inheritance: Autosomal recessive inheritance. Observed: 1 variant allele.
Comment: The 4799+1G>A variant in OTOF has not been previously reported in individuals wi th hearing loss but was detected in 1/120 Colombian chromosomes by the 1000 Geno mes Project (dbSNP rs200147906). This variant occurs in the invariant region (+/- 1/2) of the splice consensus sequence and is predi cted to cause altered splicing leading to an abnormal or absent protein. In summ ary, this variant meets our criteria to be classified as pathogenic (m.).

Diagnosis and Treatment Center of Genetic Hearing Loss, Eye & ENT Hospital of Fudan University
Classification: Pathogenic for Autosomal recessive nonsyndromic hearing loss 9. Last evaluated: 2026-02-04. Review status: no assertion criteria provided. Collection method: clinical testing. Allele origin: germline. Inheritance: Autosomal recessive inheritance. Affected: yes. Not counted in ClinVar's aggregate classification.
Comment: The c.4799+1G>A splice donor variant in OTOF is predicted to disrupt splicing (PVS1_Strong). The population frequency is 0.0002 (PM2_Supporting). It has been reported in at least two probands in trans with pathogenic/likely pathogenic variants (c.[4799+1G>A];[3192C>G] and c.[4799+1G>A];[2504T>C]) (PM3_Strong, PMID: 32476384). The phenotype is consistent (PP4).

University of Washington Center for Mendelian Genomics, University of Washington
Classification: Likely pathogenic for non-syndromic autosomal recessive hearing loss. Review status: no assertion criteria provided. Collection method: research. Allele origin: inherited. Affected: yes. Not counted in ClinVar's aggregate classification.

Literature cited by the submitters: PubMed 32476384 (cited by Diagnosis and Treatment Center of Genetic Hearing Loss, Eye & ENT Hospital of Fudan University); PubMed 30303587 (cited by University of Washington Center for Mendelian Genomics, University of Washington).